The following is an entry in ClinVar:

ClinVar aggregate classification (germline): Uncertain significance. Review status: criteria provided, multiple submitters, no conflicts (2 of 4 stars). 7 submissions from 3 submitters: Uncertain significance (7). Last evaluated 2025-12-01.

Conditions:
Hereditary cryohydrocytosis with reduced stomatin. Also called: GLUT1 DEFICIENCY SYNDROME WITH PSEUDOHYPERKALEMIA AND HEMOLYSIS; Stomatin-deficient cryohydrocytosis with neurologic defects. Identifiers: Orphanet 168577, MedGen C1837206, MONDO:0012143, OMIM 608885.
Epilepsy, idiopathic generalized, susceptibility to, 12 (EIG12). Identifiers: MedGen C3553859, MONDO:0013919, OMIM 614847.
Dystonia 9 (DYT9). Also called: CHOREOATHETOSIS, KINESIGENIC, WITH EPISODIC ATAXIA AND SPASTICITY. Identifiers: Orphanet 53583, MedGen C1832855, MONDO:0010983, OMIM 601042.
Childhood onset GLUT1 deficiency syndrome 2. Also called: GLUT1 deficiency syndrome 2; PxMD-SLC2A1; Exertion-induced paroxysmal dyskinesia; PAROXYSMAL EXERCISE-INDUCED DYSKINESIA WITH OR WITHOUT EPILEPSY AND/OR HEMOLYTIC ANEMIA; PAROXYSMAL EXERTION-INDUCED DYSTONIA WITH OR WITHOUT EPILEPSY AND/OR HEMOLYTIC ANEMIA; PED WITH OR WITHOUT EPILEPSY AND/OR HEMOLYTIC ANEMIA. Identifiers: Orphanet 98811, MedGen C1842534, MONDO:0012805, OMIM 612126.
Encephalopathy due to GLUT1 deficiency. Also called: GLUT1 deficiency syndrome 1, infantile onset, severe; GLUCOSE TRANSPORT DEFECT, BLOOD-BRAIN BARRIER; Classic Glucose Transporter Type 1 Deficiency Syndrome; De Vivo disease; GLUT1 deficiency syndrome 1; Glucose transporter protein syndrome. Identifiers: Orphanet 71277, MedGen C4551966, MONDO:0011724, OMIM 606777.
GLUT1 deficiency syndrome 1, autosomal recessive. Identifiers: MedGen C3149117.

Allele frequency attached by ClinVar (database versions not stated): gnomAD exomes 0.00002; TOPMed 0.00003.
gnomAD v4.1: 38 of 1,613,950 alleles (0.0024%); highest among the groups gnomAD compares: Non-Finnish European, 0.0027%; no homozygotes.

Submissions (7):

Labcorp Genetics (formerly Invitae), Labcorp
Classification: Uncertain significance for GLUT1 deficiency syndrome 1, autosomal recessive. Last evaluated: 2025-12-01. Review status: criteria provided, single submitter. Criteria: Invitae Variant Classification Sherloc (09022015). Collection method: clinical testing. Allele origin: germline.
Comment: This sequence change replaces cysteine, which is neutral and slightly polar, with serine, which is neutral and polar, at codon 429 of the SLC2A1 protein (p.Cys429Ser). This variant is not present in population databases (gnomAD no frequency). This variant has not been reported in the literature in individuals affected with SLC2A1-related conditions. ClinVar contains an entry for this variant (Variation ID: 207231). Invitae Evidence Modeling incorporating data from in vitro experimental studies (internal data) indicates that this missense variant is not expected to disrupt SLC2A1 function with a negative predictive value of 95%. In summary, the available evidence is currently insufficient to determine the role of this variant in disease. Therefore, it has been classified as a Variant of Uncertain Significance.

GeneDx
Classification: Uncertain significance. Last evaluated: 2025-01-28. Review status: criteria provided, single submitter. Criteria: GeneDx Variant Classification Process June 2021. Collection method: clinical testing. Allele origin: germline. Affected: yes.
Comment: Not observed at significant frequency in large population cohorts (gnomAD); In silico analysis supports that this missense variant has a deleterious effect on protein structure/function; Has not been previously published as pathogenic or benign to our knowledge

Genome-Nilou Lab
Classification: Uncertain significance for Epilepsy, idiopathic generalized, susceptibility to, 12. Last evaluated: 2023-04-11. Review status: criteria provided, single submitter. Criteria: ACMG Guidelines, 2015. Collection method: clinical testing. Allele origin: germline. Affected: no.

Genome-Nilou Lab
Classification: Uncertain significance for Dystonia 9. Last evaluated: 2023-04-11. Review status: criteria provided, single submitter. Criteria: ACMG Guidelines, 2015. Collection method: clinical testing. Allele origin: germline. Affected: no.

Genome-Nilou Lab
Classification: Uncertain significance for Encephalopathy due to GLUT1 deficiency. Last evaluated: 2023-04-11. Review status: criteria provided, single submitter. Criteria: ACMG Guidelines, 2015. Collection method: clinical testing. Allele origin: germline. Affected: no.

Genome-Nilou Lab
Classification: Uncertain significance for Childhood onset GLUT1 deficiency syndrome 2. Last evaluated: 2023-04-11. Review status: criteria provided, single submitter. Criteria: ACMG Guidelines, 2015. Collection method: clinical testing. Allele origin: germline. Affected: no.

Genome-Nilou Lab
Classification: Uncertain significance for Hereditary cryohydrocytosis with reduced stomatin. Last evaluated: 2023-04-11. Review status: criteria provided, single submitter. Criteria: ACMG Guidelines, 2015. Collection method: clinical testing. Allele origin: germline. Affected: no.

NM_006516.4(SLC2A1):c.1286G>C (p.Cys429Ser)

Gene: SLC2A1 (solute carrier family 2 member 1; minus strand). Cytogenetic location: 1p34.2.
Variant type: single nucleotide variant.
Coding change: c.1286G>C on transcript NM_006516.4 (MANE Select); coding-DNA position 1286, G replaced by C.
Protein change: p.Cys429Ser; replaces cysteine 429 with serine.
Molecular consequence: missense variant.
Genome position (GRCh38, 1-based): chr1:42,927,234, C>G on the plus strand (G>C on the coding strand, the complement: SLC2A1 is on the minus strand). VCF-style: chr1-42927234-C-G. GRCh37 (hg19) VCF-style: chr1-43392905-C-G.
Other names: p.C429S:TGT>TCT; short protein forms C429S.
Identifiers: ClinVar variation 207231 (VCV000207231.13), dbSNP rs796053274, ClinGen allele CA318497.